The following is an entry in ClinVar:

ClinVar aggregate classification (germline): Uncertain significance (1 of 4 stars; one submission).

Submission:

GeneDx
Classification: Uncertain significance. Last evaluated: 2023-07-12. Review status: criteria provided, single submitter. Criteria: GeneDx Variant Classification Process June 2021. Collection method: clinical testing. Allele origin: germline. Affected: yes.
Comment: Not observed at significant frequency in large population cohorts (gnomAD); In silico analysis supports that this missense variant does not alter protein structure/function; Has not been previously published as pathogenic or benign to our knowledge

NM_206933.4(USH2A):c.5824A>G (p.Ser1942Gly)

Genes: USH2A (usherin; minus strand), USH2A-AS2 (USH2A antisense RNA 2; plus strand). Cytogenetic location: 1q41.
Variant type: single nucleotide variant.
Coding change: c.5824A>G on transcript NM_206933.4 (MANE Select); coding-DNA position 5824, A replaced by G.
Protein change: p.Ser1942Gly; replaces serine 1942 with glycine.
Molecular consequence: missense variant.
Genome position (GRCh38, 1-based): chr1:216,072,922, T>C on the plus strand (A>G on the coding strand, the complement: USH2A is on the minus strand). VCF-style: chr1-216072922-T-C. GRCh37 (hg19) VCF-style: chr1-216246264-T-C.
Other names: short protein forms S1942G.
Identifiers: ClinVar variation 3360855 (VCV003360855.1).
Genomic context (GRCh38, chr1:216,072,922, plus strand): 5'-CATATGCATTTGAAGATAAGTATTTACCTGCTCCTGTTGTACGTCCTCGACTCCAATCAC[T>C]ATATACTGAACCTCCTTCATGCGAGGCTATCACTCGATACAGGTATTCTTAAATGGAAAT-3'
Protein context (NP_996816.3, residues 1932-1952): IASHEGGSVY[Ser1942Gly]DWSRGRTTGA